The following is an entry in ClinVar:

ClinVar aggregate classification (germline): Uncertain significance. Review status: criteria provided, multiple submitters, no conflicts (2 of 4 stars). 2 submissions from 2 submitters: Uncertain significance (2). Last evaluated 2023-05-07.

Conditions:
Hereditary cancer-predisposing syndrome. Also called: Tumor predisposition; Hereditary Cancer Syndrome; Hereditary neoplastic syndrome; Neoplastic Syndromes, Hereditary. Identifiers: Orphanet 140162, MedGen C0027672, MeSH D009386, MONDO:0015356.
Oligodontia-cancer predisposition syndrome. Also called: TOOTH AGENESIS-COLORECTAL CANCER SYNDROME. Identifiers: Orphanet 300576, MedGen C1837750, MONDO:0012075, OMIM 608615. Disease mechanism: loss of function.

Allele frequency attached by ClinVar (database versions not stated): TOPMed below 0.00001; gnomAD exomes 0.00001.
gnomAD v4.1: 7 of 1,562,086 alleles (0.00045%); highest among the groups gnomAD compares: Non-Finnish European, 0.00061%; no homozygotes.

Submissions (2):

Ambry Genetics
Classification: Uncertain significance for Hereditary cancer-predisposing syndrome. Last evaluated: 2023-05-07. Review status: criteria provided, single submitter. Criteria: Ambry Variant Classification Scheme 2023. Collection method: clinical testing. Allele origin: germline.
Comment: The p.V457A variant (also known as c.1370T>C), located in coding exon 5 of the AXIN2 gene, results from a T to C substitution at nucleotide position 1370. The valine at codon 457 is replaced by alanine, an amino acid with similar properties. This amino acid position is conserved. In addition, this alteration is predicted to be tolerated by in silico analysis. Since supporting evidence is limited at this time, the clinical significance of this alteration remains unclear.

Labcorp Genetics (formerly Invitae), Labcorp
Classification: Uncertain significance for Oligodontia-cancer predisposition syndrome. Last evaluated: 2023-04-24. Review status: criteria provided, single submitter. Criteria: Invitae Variant Classification Sherloc (09022015). Collection method: clinical testing. Allele origin: germline.
Comment: In summary, the available evidence is currently insufficient to determine the role of this variant in disease. Therefore, it has been classified as a Variant of Uncertain Significance. An algorithm developed to predict the effect of missense changes on protein structure and function (PolyPhen-2) suggests that this variant is likely to be tolerated. ClinVar contains an entry for this variant (Variation ID: 1470485). This variant has not been reported in the literature in individuals affected with AXIN2-related conditions. This variant is not present in population databases (gnomAD no frequency). This sequence change replaces valine, which is neutral and non-polar, with alanine, which is neutral and non-polar, at codon 457 of the AXIN2 protein (p.Val457Ala).

NM_004655.4(AXIN2):c.1370T>C (p.Val457Ala)

Gene: AXIN2 (axin 2; minus strand). Cytogenetic location: 17q24.1.
Variant type: single nucleotide variant.
Coding change: c.1370T>C on transcript NM_004655.4 (MANE Select); coding-DNA position 1370, T replaced by C.
Protein change: p.Val457Ala; replaces valine 457 with alanine.
Molecular consequence: missense variant.
Genome position (GRCh38, 1-based): chr17:65,537,666, A>G on the plus strand (T>C on the coding strand, the complement: AXIN2 is on the minus strand). VCF-style: chr17-65537666-A-G. GRCh37 (hg19) VCF-style: chr17-63533784-A-G.
Other names: c.1370T>C (NM_004655.3); c.1370T>C, p.Val457Ala (NM_001363813.1); short protein forms V457A.
Identifiers: ClinVar variation 1470485 (VCV001470485.7), dbSNP rs1450569717, ClinGen allele CA400677632.